The following is an entry in ClinVar:

NM_001386298.1(CIC):c.3225C>T (p.Pro1075=)

Gene: CIC (capicua transcriptional repressor; plus strand). Cytogenetic location: 19q13.2.
Variant type: single nucleotide variant.
Coding change: c.3225C>T on transcript NM_001386298.1 (MANE Select); coding-DNA position 3225, C replaced by T.
Protein change: p.Pro1075=; no amino-acid change (proline 1075 retained).
Molecular consequence: synonymous variant.
Genome position (GRCh38, 1-based): chr19:42,287,365, C>T. VCF-style: chr19-42287365-C-T. GRCh37 (hg19) VCF-style: chr19-42791517-C-T.
Other names: c.3225C>T, p.Pro1075= (NM_001304815.2, NM_001379480.1, NM_001379482.1 and 1 more transcripts); c.498C>T, p.Pro166= (NM_001379484.1, NM_001379485.1, NM_015125.5).
Identifiers: ClinVar variation 3024942 (VCV003024942.23), dbSNP rs77843943, ClinGen allele CA9471739.
Genomic context (GRCh38, chr19:42,287,365, plus strand): 5'-GCTGCCCCGCCGCAGCTTCCTCTCCATCATGTCTCCTGAGATCCAGTTGCCTCTACCGCC[C>T]GGAAAACGTCGGACCCAGTCCCTCAGTGCCCTACCCAAGGAACGGGACTCATCTTCTGAG-3'
Protein context (NP_001373227.1, residues 1065-1085): MSPEIQLPLP[Pro1075=]GKRRTQSLSA

ClinVar aggregate classification (germline): Benign/Likely benign. Review status: criteria provided, multiple submitters, no conflicts (2 of 4 stars). 2 submissions from 2 submitters: Benign (1); Likely benign (1). Last evaluated 2026-02-01.

Allele frequency attached by ClinVar (database versions not stated): TOPMed 0.00007; gnomAD 0.00040; ExAC 0.00144; 1000 Genomes Project 0.00180; 1000 Genomes Project 30x 0.00187.
gnomAD v4.1: 1,052 of 1,614,114 alleles (0.065%); highest among the groups gnomAD compares: South Asian, 1%; 15 homozygotes.

Submissions (2):

CeGaT Center for Human Genetics Tuebingen
Classification: Benign. Last evaluated: 2026-02-01. Review status: criteria provided, single submitter. Criteria: CeGaT Center For Human Genetics Tuebingen Variant Classification Criteria Version 2. Collection method: clinical testing. Allele origin: germline. Affected: yes. Observed: 7 variant alleles.
Comment: CIC: BP4, BP7, BS1, BS2

Blueprint Genetics
Classification: Likely benign. Last evaluated: 2024-11-22. Review status: criteria provided, single submitter. Criteria: ACMG Guidelines, 2015. Collection method: clinical testing. Allele origin: germline.